The following is an entry in ClinVar:

NM_002087.4(GRN):c.691T>C (p.Cys231Arg)

Genes: GRN (granulin precursor; plus strand), LOC125177489 (Sharpr-MPRA regulatory region 15390; plus strand). Cytogenetic location: 17q21.31.
Variant type: single nucleotide variant.
Coding change: c.691T>C on transcript NM_002087.4 (MANE Select); coding-DNA position 691, T replaced by C.
Protein change: p.Cys231Arg; replaces cysteine 231 with arginine.
Molecular consequence: missense variant.
Genome position (GRCh38, 1-based): chr17:44,350,783, T>C. VCF-style: chr17-44350783-T-C. GRCh37 (hg19) VCF-style: chr17-42428151-T-C.
Other names: short protein forms C231R.
Identifiers: ClinVar variation 2078851 (VCV002078851.6), dbSNP rs745566960, ClinGen allele CA8601972.
Genomic context (GRCh38, chr17:44,350,783, plus strand): 5'-GCACGGTCCCGGTGCCCTGATGGTTCTACCTGCTGTGAGCTGCCCAGTGGGAAGTATGGC[T>C]GCTGCCCAATGCCCAACGTGAGTGAGGGGCTGGAGCCAGCTTGGCTGTGTGCCCCCAGCC-3'
Protein context (NP_002078.1, residues 221-241): CCELPSGKYG[Cys231Arg]CPMPNATCCS

ClinVar aggregate classification (germline): Uncertain significance. Review status: criteria provided, multiple submitters, no conflicts (2 of 4 stars). 3 submissions from 3 submitters: Uncertain significance (3). Last evaluated 2025-07-03.

Conditions:
Inborn genetic diseases. Identifiers: MedGen C0950123, MeSH D030342.
Neuronal ceroid lipofuscinosis 11. Also called: GRN-Related Neuronal Ceroid-Lipofuscinosis. Identifiers: Orphanet 314629, Orphanet 79262, MedGen C3539123, MONDO:0013866, OMIM 614706.
GRN-related frontotemporal lobar degeneration with Tdp43 inclusions (FTD2). Also called: DEMENTIA, HEREDITARY DYSPHASIC DISINHIBITION; FRONTOTEMPORAL LOBAR DEGENERATION WITH UBIQUITIN-POSITIVE INCLUSIONS; FTLD-TDP, GRN-RELATED; GRN Frontotemporal Dementia; FRONTOTEMPORAL DEMENTIA WITH TDP43 INCLUSIONS, GRN-RELATED. Identifiers: Orphanet 100070, Orphanet 282, MedGen C1843792, MONDO:0011842, OMIM 607485. Disease mechanism: loss of function.

Allele frequency attached by ClinVar (database versions not stated): ExAC 0.00001; gnomAD 0.00001; gnomAD exomes 0.00001; TOPMed 0.00002.
gnomAD v4.1: 10 of 1,611,986 alleles (0.00062%); highest among the groups gnomAD compares: Admixed American, 0.017%; no homozygotes.

Submissions (3):

Ambry Genetics
Classification: Uncertain significance for Inborn genetic diseases. Last evaluated: 2025-07-03. Review status: criteria provided, single submitter. Criteria: Ambry Variant Classification Scheme 2023. Collection method: clinical testing. Allele origin: germline.

GeneDx
Classification: Uncertain significance. Last evaluated: 2024-03-13. Review status: criteria provided, single submitter. Criteria: GeneDx Variant Classification Process June 2021. Collection method: clinical testing. Allele origin: germline. Affected: yes.
Comment: In silico analysis supports that this missense variant has a deleterious effect on protein structure/function; Has not been previously published as pathogenic or benign to our knowledge

Labcorp Genetics (formerly Invitae), Labcorp
Classification: Uncertain significance for Neuronal ceroid lipofuscinosis 11; GRN-related frontotemporal lobar degeneration with Tdp43 inclusions. Last evaluated: 2022-05-12. Review status: criteria provided, single submitter. Criteria: Invitae Variant Classification Sherloc (09022015). Collection method: clinical testing. Allele origin: germline.
Comment: This sequence change replaces cysteine, which is neutral and slightly polar, with arginine, which is basic and polar, at codon 231 of the GRN protein (p.Cys231Arg). This variant is present in population databases (rs745566960, gnomAD 0.01%). This variant has not been reported in the literature in individuals affected with GRN-related conditions. Algorithms developed to predict the effect of missense changes on protein structure and function are either unavailable or do not agree on the potential impact of this missense change (SIFT: "Deleterious"; PolyPhen-2: "Probably Damaging"; Align-GVGD: "Class C0"). In summary, the available evidence is currently insufficient to determine the role of this variant in disease. Therefore, it has been classified as a Variant of Uncertain Significance.